The following is an entry in ClinVar:

NM_016169.4(SUFU):c.253C>G (p.Pro85Ala)

Gene: SUFU (SUFU negative regulator of hedgehog signaling; plus strand). Cytogenetic location: 10q24.32.
Variant type: single nucleotide variant.
Coding change: c.253C>G on transcript NM_016169.4 (MANE Select); coding-DNA position 253, C replaced by G.
Protein change: p.Pro85Ala; replaces proline 85 with alanine.
Molecular consequence: missense variant.
Genome position (GRCh38, 1-based): chr10:102,509,239, C>G. VCF-style: chr10-102509239-C-G. GRCh37 (hg19) VCF-style: chr10-104268996-C-G.
Other names: c.253C>G, p.Pro85Ala (NM_001178133.2); short protein forms P85A.
Identifiers: ClinVar variation 1464564 (VCV001464564.8), dbSNP rs1187640052, ClinGen allele CA377888730.

ClinVar aggregate classification (germline): Uncertain significance (1 of 4 stars; one submission).

Conditions:
Gorlin syndrome. Also called: Nevoid Basal Cell Carcinoma Syndrome; Basal cell nevus syndrome. Identifiers: Orphanet 377, MedGen C0004779, MONDO:0007187.
Medulloblastoma (MDB). Also called: Medulloblastoma, somatic; MEDULLOBLASTOMA PREDISPOSITION SYNDROME. Identifiers: Orphanet 616, MedGen C0025149, MeSH D008527, MONDO:0007959, OMIM 155255, HP:0002885.

Allele frequency attached by ClinVar (database versions not stated): gnomAD exomes below 0.00001.
gnomAD v4.1: 2 of 1,614,154 alleles (0.00012%); highest among the groups gnomAD compares: Non-Finnish European, 0.00017%; no homozygotes.

Submission:

Labcorp Genetics (formerly Invitae), Labcorp
Classification: Uncertain significance for Gorlin syndrome; Medulloblastoma. Last evaluated: 2020-12-04. Review status: criteria provided, single submitter. Criteria: Invitae Variant Classification Sherloc (09022015). Collection method: clinical testing. Allele origin: germline.
Comment: In summary, the available evidence is currently insufficient to determine the role of this variant in disease. Therefore, it has been classified as a Variant of Uncertain Significance. Algorithms developed to predict the effect of missense changes on protein structure and function are either unavailable or do not agree on the potential impact of this missense change (SIFT: "Tolerated"; PolyPhen-2: "Possibly Damaging"; Align-GVGD: "Class C0"). This variant has not been reported in the literature in individuals with SUFU-related conditions. This variant is not present in population databases (ExAC no frequency). This sequence change replaces proline with alanine at codon 85 of the SUFU protein (p.Pro85Ala). The proline residue is highly conserved and there is a small physicochemical difference between proline and alanine.